The following is an entry in ClinVar:

ClinVar aggregate classification (germline): Uncertain significance. Review status: criteria provided, multiple submitters, no conflicts (2 of 4 stars). 2 submissions from 2 submitters: Uncertain significance (2). Last evaluated 2025-09-25.

Conditions:
CYP7A1-related disorder. Also called: CYP7A1-related condition.

Allele frequency attached by ClinVar (database versions not stated): gnomAD exomes 0.00001; ExAC 0.00002; TOPMed 0.00002.
gnomAD v4.1: 9 of 1,614,164 alleles (0.00056%); highest among the groups gnomAD compares: Admixed American, 0.0067%; no homozygotes.

Submissions (2):

PreventionGenetics, part of Exact Sciences
Classification: Uncertain significance for CYP7A1-related condition. Last evaluated: 2025-09-25. Review status: criteria provided, single submitter. Criteria: ACMG Guidelines, 2015. Collection method: clinical testing. Allele origin: germline.
Comment: The CYP7A1 c.1374G>T variant is predicted to result in the amino acid substitution p.Leu458Phe. To our knowledge, this variant has not been reported in the literature. This variant is reported in 0.012% of alleles in individuals of Latino descent in gnomAD. At this time, the clinical significance of this variant is uncertain due to the absence of conclusive functional and genetic evidence.

Labcorp Genetics (formerly Invitae), Labcorp
Classification: Uncertain significance. Last evaluated: 2022-10-25. Review status: criteria provided, single submitter. Criteria: Invitae Variant Classification Sherloc (09022015). Collection method: clinical testing. Allele origin: germline.
Comment: This sequence change replaces leucine, which is neutral and non-polar, with phenylalanine, which is neutral and non-polar, at codon 458 of the CYP7A1 protein (p.Leu458Phe). This variant is present in population databases (rs747766938, gnomAD 0.01%). This variant has not been reported in the literature in individuals affected with CYP7A1-related conditions. Advanced modeling of protein sequence and biophysical properties (such as structural, functional, and spatial information, amino acid conservation, physicochemical variation, residue mobility, and thermodynamic stability) performed at Invitae indicates that this missense variant is expected to disrupt CYP7A1 protein function. In summary, the available evidence is currently insufficient to determine the role of this variant in disease. Therefore, it has been classified as a Variant of Uncertain Significance.

NM_000780.4(CYP7A1):c.1374G>T (p.Leu458Phe)

Gene: CYP7A1 (cytochrome P450 family 7 subfamily A member 1; minus strand). Cytogenetic location: 8q12.1.
Variant type: single nucleotide variant.
Coding change: c.1374G>T on transcript NM_000780.4 (MANE Select); coding-DNA position 1374, G replaced by T.
Protein change: p.Leu458Phe; replaces leucine 458 with phenylalanine.
Molecular consequence: missense variant.
Genome position (GRCh38, 1-based): chr8:58,491,616, C>A on the plus strand (G>T on the coding strand, the complement: CYP7A1 is on the minus strand). VCF-style: chr8-58491616-C-A. GRCh37 (hg19) VCF-style: chr8-59404175-C-A.
Other names: c.1374G>T (NM_000780.3); short protein forms L458F.
Identifiers: ClinVar variation 2964753 (VCV002964753.4), dbSNP rs747766938, ClinGen allele CA4756555.